The following is an entry in ClinVar:

ClinVar aggregate classification (germline): Uncertain significance (1 of 4 stars; one submission).

Conditions:
Chuvash polycythemia. Also called: POLYCYTHEMIA, VHL-DEPENDENT. Identifiers: Orphanet 238557, MedGen C1837915, MONDO:0009892, OMIM 263400.
Von Hippel-Lindau syndrome (VHLS). Also called: von Hippel–Lindau syndrome; VHL syndrome; Von Hippel-Lindau. Identifiers: Orphanet 892, MedGen C0019562, MONDO:0008667, OMIM 193300. Disease mechanism: loss of function.

Submission:

Labcorp Genetics (formerly Invitae), Labcorp
Classification: Uncertain significance for Von Hippel-Lindau syndrome; Chuvash polycythemia. Last evaluated: 2025-08-25. Review status: criteria provided, single submitter. Criteria: Invitae Variant Classification Sherloc (09022015). Collection method: clinical testing. Allele origin: germline.
Comment: This sequence change replaces serine, which is neutral and polar, with tyrosine, which is neutral and polar, at codon 38 of the VHL protein (p.Ser38Tyr). This variant is not present in population databases (gnomAD no frequency). This variant has not been reported in the literature in individuals affected with VHL-related conditions. Invitae Evidence Modeling of protein sequence and biophysical properties (such as structural, functional, and spatial information, amino acid conservation, physicochemical variation, residue mobility, and thermodynamic stability) indicates that this missense variant is not expected to disrupt VHL protein function with a negative predictive value of 95%. In summary, the available evidence is currently insufficient to determine the role of this variant in disease. Therefore, it has been classified as a Variant of Uncertain Significance.

NM_000551.4(VHL):c.113C>A (p.Ser38Tyr)

Gene: VHL (von Hippel-Lindau tumor suppressor; plus strand). Cytogenetic location: 3p25.3.
Variant type: single nucleotide variant.
Coding change: c.113C>A on transcript NM_000551.4 (MANE Select); coding-DNA position 113, C replaced by A.
Protein change: p.Ser38Tyr; replaces serine 38 with tyrosine.
Molecular consequence: missense variant. On other transcripts: non-coding transcript variant (1).
Genome position (GRCh38, 1-based): chr3:10,141,960, C>A. VCF-style: chr3-10141960-C-A. GRCh37 (hg19) VCF-style: chr3-10183644-C-A.
Other names: c.113C>A, p.Ser38Tyr (NM_001354723.2, NM_198156.3); short protein forms S38Y.
Identifiers: ClinVar variation 4792896 (VCV004792896.1).